The following is an entry in ClinVar:

ClinVar aggregate classification (germline): Conflicting classifications of pathogenicity. Review status: criteria provided, conflicting classifications (1 of 4 stars). 3 submissions from 3 submitters: Likely pathogenic (2); Uncertain significance (1). Last evaluated 2025-05-14.

Conditions:
Infantile epileptic dyskinetic encephalopathy. Identifiers: Orphanet 364063, MedGen C4552072, MONDO:0018226.

Allele frequency attached by ClinVar (database versions not stated): TOPMed 0.00004; ExAC 0.00001; gnomAD 0.00003; gnomAD exomes 0.00002; ESP Exome Variant Server 0.00008.
gnomAD v4.1: 29 of 1,613,990 alleles (0.0018%); highest among the groups gnomAD compares: Admixed American, 0.0033%; no homozygotes.

Submissions (3):

GeneDx
Classification: Likely pathogenic. Last evaluated: 2025-05-14. Review status: criteria provided, single submitter. Criteria: GeneDx Variant Classification Process June 2021. Collection method: clinical testing. Allele origin: germline. Affected: yes.
Comment: In silico analysis supports that this missense variant has a deleterious effect on protein structure/function; Published functional studies demonstrate a damaging effect on CAD activity (PMID: 32461667); This variant is associated with the following publications: (PMID: 32461667, 32960281)

Women's Health and Genetics/Laboratory Corporation of America, LabCorp
Classification: Likely pathogenic for Infantile epileptic dyskinetic encephalopathy. Last evaluated: 2024-07-03. Review status: criteria provided, single submitter. Criteria: LabCorp Variant Classification Summary - May 2015. Collection method: clinical testing. Allele origin: germline.
Comment: Variant summary: CAD c.1576G>A (p.Gly526Arg) results in a non-conservative amino acid change located in the Carbamoyl-phosphate synthetase large subunit-like, ATP-binding domain (IPR005479) of the encoded protein sequence. Five of five in-silico tools predict a damaging effect of the variant on protein function. The variant allele was found at a frequency of 1.6e-05 in 251224 control chromosomes. c.1576G>A has been reported in the literature in a homozygous individual affected with Early Infantile Epileptic Encephalopathy, 50 (Costain_2020, Del Cao-Ochoa_2020). These data indicate that the variant may be associated with disease. At least one publication reports experimental evidence evaluating an impact on protein function. The most pronounced results show that CAD-knockout (KO) cells transfected with p.G526R failed to proliferate compared to cells transfected with wild type (Del Cao-Ochoa_2020). The following publications have been ascertained in the context of this evaluation (PMID: 32960281, 32461667). ClinVar contains an entry for this variant (Variation ID: 1489256). Based on the evidence outlined above, the variant was classified as likely pathogenic.

Labcorp Genetics (formerly Invitae), Labcorp
Classification: Uncertain significance. Last evaluated: 2024-05-20. Review status: criteria provided, single submitter. Criteria: Invitae Variant Classification Sherloc (09022015). Collection method: clinical testing. Allele origin: germline.
Comment: This sequence change replaces glycine, which is neutral and non-polar, with arginine, which is basic and polar, at codon 526 of the CAD protein (p.Gly526Arg). This variant is present in population databases (rs377172759, gnomAD 0.006%). This missense change has been observed in individual(s) with CAD-related conditions (PMID: 32461667, 32960281). ClinVar contains an entry for this variant (Variation ID: 1489256). Advanced modeling of protein sequence and biophysical properties (such as structural, functional, and spatial information, amino acid conservation, physicochemical variation, residue mobility, and thermodynamic stability) performed at Invitae indicates that this missense variant is not expected to disrupt CAD protein function with a negative predictive value of 80%. Experimental studies have shown that this missense change affects CAD function (PMID: 32461667). In summary, the available evidence is currently insufficient to determine the role of this variant in disease. Therefore, it has been classified as a Variant of Uncertain Significance.

Literature cited by the submitters: PubMed 32461667 (cited by Women's Health and Genetics/Laboratory Corporation of America, LabCorp and Labcorp Genetics (formerly Invitae), Labcorp); PubMed 32960281 (cited by Women's Health and Genetics/Laboratory Corporation of America, LabCorp and Labcorp Genetics (formerly Invitae), Labcorp).

NM_004341.5(CAD):c.1576G>A (p.Gly526Arg)

Gene: CAD (carbamoyl-phosphate synthetase 2, aspartate transcarbamylase, and dihydroorotase; plus strand). Cytogenetic location: 2p23.3.
Variant type: single nucleotide variant.
Coding change: c.1576G>A on transcript NM_004341.5 (MANE Select); coding-DNA position 1576, G replaced by A.
Protein change: p.Gly526Arg; replaces glycine 526 with arginine.
Molecular consequence: missense variant.
Genome position (GRCh38, 1-based): chr2:27,225,199, G>A. VCF-style: chr2-27225199-G-A. GRCh37 (hg19) VCF-style: chr2-27448067-G-A.
Other names: c.1576G>A, p.Gly526Arg (NM_001306079.2); c.1576G>A (NM_004341.3); short protein forms G526R.
Identifiers: ClinVar variation 1489256 (VCV001489256.8), dbSNP rs377172759, ClinGen allele CA1572754.